The following is an entry in ClinVar:

NM_025074.7(FRAS1):c.5086A>G (p.Met1696Val)

Gene: FRAS1 (Fraser extracellular matrix complex subunit 1; plus strand). Cytogenetic location: 4q21.21.
Variant type: single nucleotide variant.
Coding change: c.5086A>G on transcript NM_025074.7 (MANE Select); coding-DNA position 5086, A replaced by G.
Protein change: p.Met1696Val; replaces methionine 1696 with valine.
Molecular consequence: missense variant.
Genome position (GRCh38, 1-based): chr4:78,432,473, A>G. VCF-style: chr4-78432473-A-G. GRCh37 (hg19) VCF-style: chr4-79353627-A-G.
Other names: c.5086A>G, p.Met1696Val (NM_001166133.2); short protein forms M1696V.
Identifiers: ClinVar variation 1954482 (VCV001954482.4), dbSNP rs2477159046, ClinGen allele CA357386314.
Genomic context (GRCh38, chr4:78,432,473, plus strand): 5'-GGTTCCTCTACCCGGGAAGACAGCATGGAGATCTCAGTCACAGATGGCCTCACAGTGACA[A>G]TGCTGGAGGTGAGAGTAGAGGTGTCCCTGTCAGAAGACCGAGGGCCTCGACTGGCTGCTG-3'
Protein context (NP_079350.5, residues 1686-1706): ISVTDGLTVT[Met1696Val]LEVRVEVSLS

ClinVar aggregate classification (germline): Uncertain significance (1 of 4 stars; one submission).

Submission:

Labcorp Genetics (formerly Invitae), Labcorp
Classification: Uncertain significance. Last evaluated: 2024-04-15. Review status: criteria provided, single submitter. Criteria: Invitae Variant Classification Sherloc (09022015). Collection method: clinical testing. Allele origin: germline.
Comment: This sequence change replaces methionine, which is neutral and non-polar, with valine, which is neutral and non-polar, at codon 1696 of the FRAS1 protein (p.Met1696Val). This variant is not present in population databases (gnomAD no frequency). This variant has not been reported in the literature in individuals affected with FRAS1-related conditions. ClinVar contains an entry for this variant (Variation ID: 1954482). Advanced modeling of protein sequence and biophysical properties (such as structural, functional, and spatial information, amino acid conservation, physicochemical variation, residue mobility, and thermodynamic stability) performed at Invitae indicates that this missense variant is not expected to disrupt FRAS1 protein function with a negative predictive value of 80%. In summary, the available evidence is currently insufficient to determine the role of this variant in disease. Therefore, it has been classified as a Variant of Uncertain Significance.